The following is an entry in ClinVar:

NM_139343.3(BIN1):c.853C>T (p.Pro285Ser)

Gene: BIN1 (bridging integrator 1; minus strand). Cytogenetic location: 2q14.3.
Variant type: single nucleotide variant.
Coding change: c.853C>T on transcript NM_139343.3 (MANE Select); coding-DNA position 853, C replaced by T.
Protein change: p.Pro285Ser; replaces proline 285 with serine.
Molecular consequence: missense variant.
Genome position (GRCh38, 1-based): chr2:127,062,119, G>A on the plus strand (C>T on the coding strand, the complement: BIN1 is on the minus strand). VCF-style: chr2-127062119-G-A. GRCh37 (hg19) VCF-style: chr2-127819695-G-A.
Other names: c.760C>T, p.Pro254Ser (NM_001320632.2, NM_001320641.2, NM_004305.4 and 6 more transcripts); c.853C>T, p.Pro285Ser (NM_001320633.2, NM_001320640.2, NM_139344.3 and 1 more transcripts); c.688C>T, p.Pro230Ser (NM_001320634.1); c.772C>T, p.Pro258Ser (NM_001320642.1); short protein forms P230S, P254S, P258S, P285S.
Identifiers: ClinVar variation 1676898 (VCV001676898.2), dbSNP rs958559973, ClinGen allele CA55348153.

ClinVar aggregate classification (germline): Uncertain significance (1 of 4 stars; one submission).

Allele frequency attached by ClinVar (database versions not stated): gnomAD exomes below 0.00001; TOPMed below 0.00001.
gnomAD v4.1: 1 of 1,607,310 alleles (0.000062%); highest among the groups gnomAD compares: East Asian, 0.0022%; no homozygotes.

Submission:

GeneDx
Classification: Uncertain significance. Last evaluated: 2021-10-12. Review status: criteria provided, single submitter. Criteria: GeneDx Variant Classification Process June 2021. Collection method: clinical testing. Allele origin: germline. Affected: yes.
Comment: Not observed at significant frequency in large population cohorts (gnomAD); In silico analysis supports that this missense variant has a deleterious effect on protein structure/function; Has not been previously published as pathogenic or benign to our knowledge